The following is an entry in ClinVar:

ClinVar aggregate classification (germline): Conflicting classifications of pathogenicity. Review status: criteria provided, conflicting classifications (1 of 4 stars). 2 submissions from 2 submitters: Uncertain significance (1); Benign (1). Last evaluated 2024-11-09.

Conditions:
Cardiovascular phenotype. Identifiers: MedGen CN230736.
Alstrom syndrome (ALMS). Identifiers: Orphanet 64, MedGen C0268425, MONDO:0008763, OMIM 203800.

Allele frequency attached by ClinVar (database versions not stated): gnomAD 0.00001; TOPMed 0.00002; ExAC 0.00012; gnomAD exomes 0.00016.
gnomAD v4.1: 235 of 1,613,998 alleles (0.015%); highest among the groups gnomAD compares: East Asian, 0.51%; 4 homozygotes.

Submissions (2):

Ambry Genetics
Classification: Benign for Cardiovascular phenotype. Last evaluated: 2024-11-09. Review status: criteria provided, single submitter. Criteria: Ambry Variant Classification Scheme 2023. Collection method: clinical testing. Allele origin: germline.

Labcorp Genetics (formerly Invitae), Labcorp
Classification: Uncertain significance for Alstrom syndrome. Last evaluated: 2022-08-03. Review status: criteria provided, single submitter. Criteria: Invitae Variant Classification Sherloc (09022015). Collection method: clinical testing. Allele origin: germline.
Comment: This sequence change replaces glutamine, which is neutral and polar, with arginine, which is basic and polar, at codon 2942 of the ALMS1 protein (p.Gln2942Arg). This variant is present in population databases (rs773180704, gnomAD 0.2%). This variant has not been reported in the literature in individuals affected with ALMS1-related conditions. Experimental studies and prediction algorithms are not available or were not evaluated, and the functional significance of this variant is currently unknown. In summary, the available evidence is currently insufficient to determine the role of this variant in disease. Therefore, it has been classified as a Variant of Uncertain Significance.

NM_001378454.1(ALMS1):c.8822A>G (p.Gln2941Arg)

Gene: ALMS1 (ALMS1 centrosome and basal body associated protein; plus strand). Cytogenetic location: 2p13.1.
Variant type: single nucleotide variant.
Coding change: c.8822A>G on transcript NM_001378454.1 (MANE Select); coding-DNA position 8822, A replaced by G.
Protein change: p.Gln2941Arg; replaces glutamine 2941 with arginine.
Molecular consequence: missense variant.
Genome position (GRCh38, 1-based): chr2:73,490,781, A>G. VCF-style: chr2-73490781-A-G. GRCh37 (hg19) VCF-style: chr2-73717908-A-G.
Other names: c.8825A>G, p.Gln2942Arg (NM_015120.4); short protein forms Q2942R, Q2941R.
Identifiers: ClinVar variation 2181655 (VCV002181655.2), dbSNP rs773180704, ClinGen allele CA1714551.